The following is an entry in ClinVar:

NM_001909.5(CTSD):c.758A>G (p.Lys253Arg)

Gene: CTSD (cathepsin D; minus strand). Cytogenetic location: 11p15.5.
Variant type: single nucleotide variant.
Coding change: c.758A>G on transcript NM_001909.5 (MANE Select); coding-DNA position 758, A replaced by G.
Protein change: p.Lys253Arg; replaces lysine 253 with arginine.
Molecular consequence: missense variant.
Genome position (GRCh38, 1-based): chr11:1,754,975, T>C on the plus strand (A>G on the coding strand, the complement: CTSD is on the minus strand). VCF-style: chr11-1754975-T-C. GRCh37 (hg19) VCF-style: chr11-1776205-T-C.
Other names: p.K253R:AAG>AGG; short protein forms K253R.
Identifiers: ClinVar variation 205358 (VCV000205358.9), dbSNP rs138191189, ClinGen allele CA314358.

ClinVar aggregate classification (germline): Uncertain significance. Review status: criteria provided, multiple submitters, no conflicts (2 of 4 stars). 2 submissions from 2 submitters: Uncertain significance (2). Last evaluated 2024-12-18.

Conditions:
Neuronal ceroid lipofuscinosis. Also called: Neuronal Ceroid Lipofuscinoses. Identifiers: Orphanet 216, Orphanet 79263, MedGen C0027877, MONDO:0016295. Disease mechanism: loss of function.

Allele frequency attached by ClinVar (database versions not stated): ExAC 0.00008; TOPMed 0.00011; gnomAD 0.00013 and 0.00014; ESP Exome Variant Server 0.00069; gnomAD exomes 0.00001 and 0.00007.
gnomAD v4.1: 42 of 1,613,830 alleles (0.0026%); highest among the groups gnomAD compares: African/African-American, 0.036%; no homozygotes.

Submissions (2):

GeneDx
Classification: Uncertain significance. Last evaluated: 2024-12-18. Review status: criteria provided, single submitter. Criteria: GeneDx Variant Classification Process June 2021. Collection method: clinical testing. Allele origin: germline. Affected: yes.
Comment: In silico analysis indicates that this missense variant does not alter protein structure/function; Has not been previously published as pathogenic or benign to our knowledge

Labcorp Genetics (formerly Invitae), Labcorp
Classification: Uncertain significance for Neuronal ceroid lipofuscinosis. Last evaluated: 2022-07-23. Review status: criteria provided, single submitter. Criteria: Invitae Variant Classification Sherloc (09022015). Collection method: clinical testing. Allele origin: germline.
Comment: This sequence change replaces lysine, which is basic and polar, with arginine, which is basic and polar, at codon 253 of the CTSD protein (p.Lys253Arg). This variant is present in population databases (rs138191189, gnomAD 0.05%). This variant has not been reported in the literature in individuals affected with CTSD-related conditions. ClinVar contains an entry for this variant (Variation ID: 205358). Algorithms developed to predict the effect of missense changes on protein structure and function (SIFT, PolyPhen-2, Align-GVGD) all suggest that this variant is likely to be tolerated. Algorithms developed to predict the effect of sequence changes on RNA splicing suggest that this variant may create or strengthen a splice site. In summary, the available evidence is currently insufficient to determine the role of this variant in disease. Therefore, it has been classified as a Variant of Uncertain Significance.